The following is an entry in ClinVar:

NM_000133.4(F9):c.884_895del (p.Asn295_Arg298del)

Gene: F9 (coagulation factor IX; plus strand). Cytogenetic location: Xq27.1.
Variant type: Deletion.
Coding change: c.884_895del on transcript NM_000133.4 (MANE Select); coding-DNA positions 884 to 895, 12 bases deleted (ATGTGATTCGAA).
Protein change: p.Asn295_Arg298del.
Molecular consequence: inframe deletion.
Genome position (GRCh38, 1-based): chrX:139,561,569-139,561,580, ATGTGATTCGAA deleted; deleting any 12 consecutive bases within chrX:139,561,565-139,561,580 gives the same sequence; the c. name uses the placement nearest the transcript's 3' end. VCF-style (leftmost placement, unchanged base first): chrX-139561564-GCGAAATGTGATT-G. GRCh37 (hg19) VCF-style: chrX-138643723-GCGAAATGTGATT-G.
Other names: c.770_781del, p.Asn257_Arg260del (NM_001313913.2).
Identifiers: ClinVar variation 973814 (VCV000973814.2), dbSNP rs1928103331, ClinGen allele CA1139667802.

ClinVar aggregate classification (germline): Likely pathogenic (0 of 4 stars; one submission).

Conditions:
Hereditary factor IX deficiency disease (HEMB). Also called: PLASMA THROMBOPLASTIN COMPONENT DEFICIENCY; Hemophilia B; Christmas Disease; F9 DEFICIENCY; FACTOR IX DEFICIENCY. Identifiers: Orphanet 98879, MedGen C0008533, MeSH D002836, MONDO:0010604, OMIM 306900.

Submission:

Angelo Bianchi Bonomi Hemophilia and Thrombosis Center, Fondazione IRCCS Ca Granda Ospedale Maggiore Policlinico
Classification: Likely pathogenic for Hereditary factor IX deficiency disease. Last evaluated: 2019-06-01. Review status: no assertion criteria provided. Collection method: clinical testing. Allele origin: germline. Affected: yes. Observed: 1 variant allele.
Comment: analyzed by CADD